The following is an entry in ClinVar:

ClinVar aggregate classification (germline): Pathogenic/Likely pathogenic. Review status: criteria provided, multiple submitters, no conflicts (2 of 4 stars). 2 submissions from 2 submitters: Pathogenic (1); Likely pathogenic (1). Last evaluated 2026-01-10.

Conditions:
Epidermolysis bullosa dystrophica. Also called: Dystrophic epidermolysis bullosa, Hallopeau-Siemens type (formerly); Dystrophic epidermolysis bullosa. Identifiers: Orphanet 303, MedGen C0079294, MONDO:0006543.

Allele frequency attached by ClinVar (database versions not stated): gnomAD exomes below 0.00001; gnomAD 0.00001; TOPMed 0.00001.

Submissions (2):

Labcorp Genetics (formerly Invitae), Labcorp
Classification: Likely pathogenic. Last evaluated: 2026-01-10. Review status: criteria provided, single submitter. Criteria: Invitae Variant Classification Sherloc (09022015). Collection method: clinical testing. Allele origin: germline.
Comment: This sequence change replaces glycine, which is neutral and non-polar, with arginine, which is basic and polar, at codon 2551 of the COL7A1 protein (p.Gly2551Arg). This variant is present in population databases (no rsID available, gnomAD 0.003%). This missense change has been observed in individual(s) with autosomal recessive dystrophic epidermolysis bullosa (PMID: 34435747). ClinVar contains an entry for this variant (Variation ID: 1048052). Invitae Evidence Modeling of protein sequence and biophysical properties (such as structural, functional, and spatial information, amino acid conservation, physicochemical variation, residue mobility, and thermodynamic stability) indicates that this missense variant is expected to disrupt COL7A1 protein function with a positive predictive value of 95%. This variant disrupts the triple helix domain of COL7A1. Glycine residues within the Gly-Xaa-Yaa repeats of the triple helix domain are required for the structure and stability of fibrillar collagens (PMID: 7695699, 8218237, 19344236), and variants at these glycine residues in COL7A1 are more frequently observed in individuals with disease than in the general population (PMID: 22058051). However, the clinical significance of this observation remains uncertain since only a limited number of affected individuals have been described to date. In summary, the currently available evidence indicates that the variant is pathogenic, but additional data are needed to prove that conclusively. Therefore, this variant has been classified as Likely Pathogenic.

Biomedical Innovation Departament, CIEMAT
Classification: Pathogenic for Dystrophic epidermolysis bullosa. Last evaluated: 2009-05-25. Review status: criteria provided, single submitter. Criteria: ACMG Guidelines, 2015. Collection method: research. Allele origin: germline. Affected: yes. Observed: 1 variant allele.

Literature cited by the submitters: PubMed 34435747 (cited by Labcorp Genetics (formerly Invitae), Labcorp); PubMed 7695699 (cited by Labcorp Genetics (formerly Invitae), Labcorp); PubMed 8218237 (cited by Labcorp Genetics (formerly Invitae), Labcorp); PubMed 19344236 (cited by Labcorp Genetics (formerly Invitae), Labcorp); PubMed 22058051 (cited by Labcorp Genetics (formerly Invitae), Labcorp); PubMed 20184583 (cited by Biomedical Innovation Departament, CIEMAT).

NM_000094.4(COL7A1):c.7651G>C (p.Gly2551Arg)

Gene: COL7A1 (collagen type VII alpha 1 chain; minus strand). Cytogenetic location: 3p21.31.
Variant type: single nucleotide variant.
Coding change: c.7651G>C on transcript NM_000094.4 (MANE Select); coding-DNA position 7651, G replaced by C.
Protein change: p.Gly2551Arg; replaces glycine 2551 with arginine.
Molecular consequence: missense variant.
Genome position (GRCh38, 1-based): chr3:48,569,410, C>G on the plus strand (G>C on the coding strand, the complement: COL7A1 is on the minus strand). VCF-style: chr3-48569410-C-G. GRCh37 (hg19) VCF-style: chr3-48606843-C-G.
Other names: short protein forms G2551R.
Identifiers: ClinVar variation 1048052 (VCV001048052.3), dbSNP rs1465411279, ClinGen allele CA352643800.